The following is an entry in ClinVar:

ClinVar aggregate classification (germline): Benign. Review status: criteria provided, multiple submitters, no conflicts (2 of 4 stars). 14 submissions from 13 submitters: Benign (10). 4 of the submissions do not count toward it. Last evaluated 2024-11-27.

Conditions:
Arthrogryposis, distal, type 1A. Also called: ARTHROGRYPOSIS MULTIPLEX CONGENITA, DISTAL, TYPE I. Identifiers: Orphanet 1146, MedGen C6022280, MONDO:0007157, OMIM 108120.
Congenital myopathy 23 (CMYO23). Also called: NEMALINE MYOPATHY 4; Nemaline myopathy 4, autosomal dominant; CAP MYOPATHY 2. Identifiers: MedGen C1836447, MONDO:0012240, OMIM 609285.

Allele frequency attached by ClinVar (database versions not stated): TOPMed 0.06526; gnomAD exomes 0.07604 and 0.08807; ExAC 0.08612; gnomAD 0.06202 and 0.06243; ESP Exome Variant Server 0.06467; 1000 Genomes Project 30x 0.04591; 1000 Genomes Project 0.04653.
gnomAD v4.1: 132,661 of 1,552,166 alleles (8.5%); highest among the groups gnomAD compares: Non-Finnish European, 9.5%; 6,178 homozygotes.

Submissions (14):

Blueprint Genetics
Classification: Benign. Last evaluated: 2024-11-27. Review status: criteria provided, single submitter. Criteria: ACMG Guidelines, 2015. Collection method: clinical testing. Allele origin: germline.

Illumina Laboratory Services, Illumina
Classification: Benign for Congenital myopathy 23. Last evaluated: 2018-01-13. Review status: criteria provided, single submitter. Criteria: ICSL Variant Classification Criteria 13 December 2019. Collection method: clinical testing. Allele origin: germline.
Comment: This variant was observed in the ICSL laboratory as part of a predisposition screen in an ostensibly healthy population. It had not been previously curated by ICSL or reported in the Human Gene Mutation Database (HGMD: prior to June 1st, 2018), and was therefore a candidate for classification through an automated scoring system. Utilizing variant allele frequency, disease prevalence and penetrance estimates, and inheritance mode, an automated score was calculated to assess if this variant is too frequent to cause the disease. Based on the score and internal cut-off values, a variant classified as benign is not then subjected to further curation. The score for this variant resulted in a classification of benign for this disease.

Illumina Laboratory Services, Illumina
Classification: Benign for Arthrogryposis, distal, type 1A. Last evaluated: 2018-01-13. Review status: criteria provided, single submitter. Criteria: ICSL Variant Classification Criteria 13 December 2019. Collection method: clinical testing. Allele origin: germline.
Comment: the same text as in the submission from Illumina Laboratory Services, Illumina above.

Mayo Clinic Laboratories, Mayo Clinic
Classification: Benign. Last evaluated: 2017-12-04. Review status: criteria provided, single submitter. Criteria: ACMG Guidelines, 2015. Collection method: clinical testing. Allele origin: germline. Observed: 61 variant alleles.

GeneDx
Classification: Benign. Last evaluated: 2016-01-29. Review status: criteria provided, single submitter. Criteria: GeneDx Variant Classification (06012015). Collection method: clinical testing. Allele origin: germline. Affected: yes.
Comment: This variant is considered likely benign or benign based on one or more of the following criteria: it is a conservative change, it occurs at a poorly conserved position in the protein, it is predicted to be benign by multiple in silico algorithms, and/or has population frequency not consistent with disease.

Laboratory for Molecular Medicine, Mass General Brigham Personalized Medicine
Classification: Benign. Last evaluated: 2014-11-24. Review status: criteria provided, single submitter. Criteria: LMM Criteria. Collection method: clinical testing. Allele origin: germline. Observed: 4 variant alleles.
Comment: *8G>A in exon 9A of TPM2: This variant is not expected to have clinical signific ance because it has been identified in 8.9% (757/8480) of European American chro mosomes from a broad population by the NHLBI Exome Sequencing Project (s.; dbSNP rs56249943).

Genetic Services Laboratory, University of Chicago
Classification: Benign for AllHighlyPenetrant. Last evaluated: 2013-08-15. Review status: criteria provided, single submitter. Criteria: ACMG Guidelines, 2007. Collection method: clinical testing. Allele origin: germline. Inheritance: Autosomal dominant inheritance.

Eurofins Ntd Llc (ga)
Classification: Benign. Last evaluated: 2013-01-16. Review status: criteria provided, single submitter. Criteria: EGL Classification Definitions 2015. Collection method: clinical testing. Allele origin: germline. Observed: 3 variant alleles, 3 heterozygotes.

Breakthrough Genomics
Classification: Benign. Review status: criteria provided, single submitter. Criteria: ACMG Guidelines, 2015. Collection method: not provided. Allele origin: germline. Inheritance: Autosomal dominant inheritance. Affected: yes.

PreventionGenetics, part of Exact Sciences
Classification: Benign. Review status: criteria provided, single submitter. Criteria: ACMG Guidelines, 2015. Collection method: clinical testing. Allele origin: germline.

Clinical Genetics, Academic Medical Center
Classification: Benign. Review status: no assertion criteria provided. Collection method: clinical testing. Allele origin: germline. Affected: yes. Study: VKGL Data-share Consensus. Not counted in ClinVar's aggregate classification.

Genome Diagnostics Laboratory, University Medical Center Utrecht
Classification: Benign. Review status: no assertion criteria provided. Collection method: clinical testing. Allele origin: germline. Affected: yes. Study: VKGL Data-share Consensus. Not counted in ClinVar's aggregate classification.

Joint Genome Diagnostic Labs from Nijmegen and Maastricht, Radboudumc and MUMC+
Classification: Benign. Review status: no assertion criteria provided. Collection method: clinical testing. Allele origin: germline. Affected: yes. Study: VKGL Data-share Consensus. Not counted in ClinVar's aggregate classification.

TPM2 homepage - Leiden Muscular Dystrophy pages
No classification provided. Review status: no classification provided. Collection method: not provided. Allele origin: germline. Not counted in ClinVar's aggregate classification.

NM_003289.4(TPM2):c.*8G>A

Gene: TPM2 (tropomyosin 2; minus strand). Cytogenetic location: 9p13.3.
Variant type: single nucleotide variant.
Coding change: c.*8G>A on transcript NM_003289.4 (MANE Select); 8 bases downstream of the stop codon, G replaced by A.
Molecular consequence: 3 prime UTR variant. On other transcripts: intron variant (2).
Genome position (GRCh38, 1-based): chr9:35,683,151, C>T on the plus strand (G>A on the coding strand, the complement: TPM2 is on the minus strand). VCF-style: chr9-35683151-C-T. GRCh37 (hg19) VCF-style: chr9-35683148-C-T.
Other names: c.855+8G>A (NM_003289.3); c.*8G>A (NM_001301227.2); c.773-988G>A (NM_213674.1, NM_001301226.2).
Identifiers: ClinVar variation 94122 (VCV000094122.25), dbSNP rs56249943, ClinGen allele CA147641.